The following is an entry in ClinVar:

ClinVar aggregate classification (germline): Uncertain significance. Review status: criteria provided, multiple submitters, no conflicts (2 of 4 stars). 2 submissions from 2 submitters: Uncertain significance (2). Last evaluated 2025-08-18.

Conditions:
LTBP3-related disorder. Also called: LTBP3-related condition.
Brachyolmia-amelogenesis imperfecta syndrome. Also called: Tooth agenesis, selective, 6; Dental anomalies and short stature; PLATYSPONDYLY WITH AMELOGENESIS IMPERFECTA. Identifiers: Orphanet 2899, MedGen C1832594, MONDO:0011018, OMIM 601216. Disease mechanism: loss of function.

gnomAD v4.1: 6 of 1,611,954 alleles (0.00037%); highest among the groups gnomAD compares: African/African-American, 0.0027%; no homozygotes.

Submissions (2):

PreventionGenetics, part of Exact Sciences
Classification: Uncertain significance for LTBP3-related condition. Last evaluated: 2025-08-18. Review status: criteria provided, single submitter. Criteria: ACMG Guidelines, 2015. Collection method: clinical testing. Allele origin: germline.
Comment: The LTBP3 c.550G>A variant is predicted to result in the amino acid substitution p.Ala184Thr. To our knowledge, this variant has not been reported in the literature or in a large population database (gnomAD), indicating this variant is rare. At this time, the clinical significance of this variant is uncertain due to the absence of conclusive functional and genetic evidence.

Labcorp Genetics (formerly Invitae), Labcorp
Classification: Uncertain significance for Brachyolmia-amelogenesis imperfecta syndrome. Last evaluated: 2025-08-03. Review status: criteria provided, single submitter. Criteria: Invitae Variant Classification Sherloc (09022015). Collection method: clinical testing. Allele origin: germline.
Comment: This sequence change replaces alanine, which is neutral and non-polar, with threonine, which is neutral and polar, at codon 184 of the LTBP3 protein (p.Ala184Thr). This variant is not present in population databases (gnomAD no frequency). This variant has not been reported in the literature in individuals affected with LTBP3-related conditions. An algorithm developed to predict the effect of missense changes on protein structure and function (PolyPhen-2) suggests that this variant is likely to be disruptive. In summary, the available evidence is currently insufficient to determine the role of this variant in disease. Therefore, it has been classified as a Variant of Uncertain Significance.

NM_001130144.3(LTBP3):c.550G>A (p.Ala184Thr)

Gene: LTBP3 (latent transforming growth factor beta binding protein 3; minus strand). Cytogenetic location: 11q13.1.
Variant type: single nucleotide variant.
Coding change: c.550G>A on transcript NM_001130144.3 (MANE Select); coding-DNA position 550, G replaced by A.
Protein change: p.Ala184Thr; replaces alanine 184 with threonine.
Molecular consequence: missense variant.
Genome position (GRCh38, 1-based): chr11:65,554,162, C>T on the plus strand (G>A on the coding strand, the complement: LTBP3 is on the minus strand). VCF-style: chr11-65554162-C-T. GRCh37 (hg19) VCF-style: chr11-65321633-C-T.
Other names: c.199G>A, p.Ala67Thr (NM_001164266.1); c.550G>A, p.Ala184Thr (NM_021070.4); c.550G>A (NM_001130144.2); short protein forms A184T, A67T.
Identifiers: ClinVar variation 4707766 (VCV004707766.2).